The following is an entry in ClinVar:

ClinVar aggregate classification (germline): Likely pathogenic. Review status: criteria provided, multiple submitters, no conflicts (2 of 4 stars). 3 submissions from 3 submitters: Likely pathogenic (2). 1 of the submissions does not count toward it. Last evaluated 2022-11-10.

Conditions:
Cardiac anomalies - developmental delay - facial dysmorphism syndrome (MRFACD). Also called: Impaired intellectual development and distinctive facial features with or without cardiac defects; MED13L Syndrome. Identifiers: Orphanet 369891, MedGen C5192431, MONDO:0014773, OMIM 616789.

Submissions (3):

GeneDx
Classification: Likely pathogenic. Last evaluated: 2022-11-10. Review status: criteria provided, single submitter. Criteria: GeneDx Variant Classification Process June 2021. Collection method: clinical testing. Allele origin: germline. Affected: yes.
Comment: Not observed at significant frequency in large population cohorts (gnomAD); In silico analysis supports that this missense variant has a deleterious effect on protein structure/function; This variant is associated with the following publications: (PMID: 31785789, 27620904, 28135719, 27500536, 28645799, 28191890, 34654706)

Clinical Genetics Service, Universitary Hospital 12 de Octubre
Classification: Likely pathogenic for Cardiac anomalies - developmental delay - facial dysmorphism syndrome. Review status: criteria provided, single submitter. Criteria: ACMG Guidelines, 2015. Collection method: clinical testing. Allele origin: de novo. Affected: yes.

Joint Genome Diagnostic Labs from Nijmegen and Maastricht, Radboudumc and MUMC+
Classification: Likely pathogenic for Cardiac anomalies - developmental delay - facial dysmorphism syndrome. Review status: no assertion criteria provided. Collection method: clinical testing. Allele origin: paternal. Inheritance: Autosomal dominant inheritance. Affected: yes. Not counted in ClinVar's aggregate classification.

NM_015335.5(MED13L):c.5695G>A (p.Gly1899Arg)

Gene: MED13L (mediator complex subunit 13L; minus strand). Cytogenetic location: 12q24.21.
Variant type: single nucleotide variant.
Coding change: c.5695G>A on transcript NM_015335.5 (MANE Select); coding-DNA position 5695, G replaced by A.
Protein change: p.Gly1899Arg; replaces glycine 1899 with arginine.
Molecular consequence: missense variant.
Genome position (GRCh38, 1-based): chr12:115,975,207, C>T on the plus strand (G>A on the coding strand, the complement: MED13L is on the minus strand). VCF-style: chr12-115975207-C-T. GRCh37 (hg19) VCF-style: chr12-116413012-C-T.
Other names: c.5695G>A (NM_015335.4); short protein forms G1899R.
Identifiers: ClinVar variation 1240004 (VCV001240004.5), dbSNP rs2137241977, ClinGen allele CA386878184.
Genomic context (GRCh38, chr12:115,975,207, plus strand): 5'-AATACTTCTTCAAAAATTTCTCACCTTTAAGCTCCCCATGGCCAAGACGCCCAAGTCGCC[C>T]GATTACAACTCTCCAGGGTAGAGATGTCATTTGGACAATCCCTATGCACCACTCCCATAA-3'
Protein context (NP_056150.1, residues 1889-1909): MTSLPWRVVI[Gly1899Arg]RLGRLGHGEL